The following is an entry in ClinVar:

ClinVar aggregate classification (germline): Uncertain significance (1 of 4 stars; one submission).

Conditions:
Cardiovascular phenotype. Identifiers: MedGen CN230736.

Submission:

Ambry Genetics
Classification: Uncertain significance for Cardiovascular phenotype. Last evaluated: 2025-03-14. Review status: criteria provided, single submitter. Criteria: Ambry Variant Classification Scheme 2023. Collection method: clinical testing. Allele origin: germline.
Comment: The p.P1656S variant (also known as c.4966C>T), located in coding exon 2 of the ZNF469 gene, results from a C to T substitution at nucleotide position 4966. The proline at codon 1656 is replaced by serine, an amino acid with similar properties. This amino acid position is conserved. In addition, this alteration is predicted to be tolerated by in silico analysis. Based on the available evidence, the clinical significance of this variant remains unclear.

NM_001367624.2(ZNF469):c.5050C>T (p.Pro1684Ser)

Gene: ZNF469 (zinc finger protein 469; plus strand). Cytogenetic location: 16q24.2.
Variant type: single nucleotide variant.
Coding change: c.5050C>T on transcript NM_001367624.2 (MANE Select); coding-DNA position 5050, C replaced by T.
Protein change: p.Pro1684Ser; replaces proline 1684 with serine.
Molecular consequence: missense variant.
Genome position (GRCh38, 1-based): chr16:88,432,520, C>T. VCF-style: chr16-88432520-C-T. GRCh37 (hg19) VCF-style: chr16-88498928-C-T.
Other names: NM_001127464.1:c.4966C>T; short protein forms P1684S.
Identifiers: ClinVar variation 3821176 (VCV003821176.1).